The following is an entry in ClinVar:

NM_001379180.1(ESRRB):c.307G>C (p.Gly103Arg)

Gene: ESRRB (estrogen related receptor beta; plus strand). Cytogenetic location: 14q24.3.
Variant type: single nucleotide variant.
Coding change: c.307G>C on transcript NM_001379180.1 (MANE Select); coding-DNA position 307, G replaced by C.
Protein change: p.Gly103Arg; replaces glycine 103 with arginine.
Molecular consequence: missense variant.
Genome position (GRCh38, 1-based): chr14:76,439,597, G>C. VCF-style: chr14-76439597-G-C. GRCh37 (hg19) VCF-style: chr14-76905940-G-C.
Other names: c.244G>C (NM_004452.3); c.244G>C, p.Gly82Arg (NM_004452.4); short protein forms G103R, G82R.
Identifiers: ClinVar variation 1398279 (VCV001398279.12), dbSNP rs771967770, ClinGen allele CA7281545.
Genomic context (GRCh38, chr14:76,439,597, plus strand): 5'-TTTGCAGGCGCCGGGCTGGGAGGCACCCCATGCCGCAAGAGCTACGAGGACTGTGCCAGC[G>C]GCATCATGGAGGACTCGGCCATCAAGTGCGAGTACATGCTCAACGCCATCCCCAAGCGCC-3'
Protein context (NP_001366109.1, residues 93-113): CRKSYEDCAS[Gly103Arg]IMEDSAIKCE

ClinVar aggregate classification (germline): Uncertain significance. Review status: criteria provided, multiple submitters, no conflicts (2 of 4 stars). 5 submissions from 5 submitters: Uncertain significance (5). Last evaluated 2026-10-06.

Conditions:
ESRRB-related disorder. Also called: ESRRB-related condition.

Allele frequency attached by ClinVar (database versions not stated): ExAC 0.00004; 1000 Genomes Project 30x 0.00031; gnomAD 0.00009 and 0.00016; gnomAD exomes 0.00006; TOPMed 0.00023.
gnomAD v4.1: 194 of 1,614,208 alleles (0.012%); highest among the groups gnomAD compares: Non-Finnish European, 0.015%; no homozygotes.

Submissions (5):

GeneDx
Classification: Uncertain significance. Last evaluated: 2026-10-06. Review status: criteria provided, single submitter. Criteria: GeneDx Variant Classification Process June 2021. Collection method: clinical testing. Allele origin: germline.
Comment: Observed in a proband with Meniere's disease, hearing loss, tinnitus, aural fullness, and otalgia; however, a second variant in the ESRRB gene was not reported (PMID: 41377690); In silico analysis suggests that this missense variant does not alter protein structure/function; This variant is associated with the following publications: (PMID: 41377690)

PreventionGenetics, part of Exact Sciences
Classification: Uncertain significance for ESRRB-related condition. Last evaluated: 2026-09-01. Review status: criteria provided, single submitter. Criteria: ACMG Guidelines, 2015. Collection method: clinical testing. Allele origin: germline.
Comment: The ESRRB c.244G>C variant is predicted to result in the amino acid substitution p.Gly82Arg. To our knowledge, this variant has not been reported in the literature. This variant is reported in 0.013% of alleles in individuals of European (Non-Finnish) descent in gnomAD. At this time, the clinical significance of this variant is uncertain due to the absence of conclusive functional and genetic evidence.

Labcorp Genetics (formerly Invitae), Labcorp
Classification: Uncertain significance. Last evaluated: 2025-07-10. Review status: criteria provided, single submitter. Criteria: Invitae Variant Classification Sherloc (09022015). Collection method: clinical testing. Allele origin: germline.
Comment: This sequence change replaces glycine, which is neutral and non-polar, with arginine, which is basic and polar, at codon 82 of the ESRRB protein (p.Gly82Arg). This variant is present in population databases (rs771967770, gnomAD 0.01%). This variant has not been reported in the literature in individuals affected with ESRRB-related conditions. ClinVar contains an entry for this variant (Variation ID: 1398279). An algorithm developed to predict the effect of missense changes on protein structure and function (PolyPhen-2) suggests that this variant is likely to be tolerated. In summary, the available evidence is currently insufficient to determine the role of this variant in disease. Therefore, it has been classified as a Variant of Uncertain Significance.

Ambry Genetics
Classification: Uncertain significance. Last evaluated: 2025-05-01. Review status: criteria provided, single submitter. Criteria: Ambry Variant Classification Scheme 2023. Collection method: clinical testing. Allele origin: germline.

Blueprint Genetics
Classification: Uncertain significance. Last evaluated: 2023-09-05. Review status: criteria provided, single submitter. Criteria: ACMG Guidelines, 2015. Collection method: clinical testing. Allele origin: germline.